The following is an entry in ClinVar:

ClinVar aggregate classification (germline): Pathogenic. Review status: criteria provided, single submitter (1 of 4 stars). 2 submissions from 2 submitters: Pathogenic (1). 1 of the submissions does not count toward it. Last evaluated 2016-05-18.

Conditions:
Neurodevelopmental disorder. Identifiers: MedGen C1535926, MeSH D065886, MONDO:0700092.

Submissions (2):

GeneDx
Classification: Pathogenic. Last evaluated: 2016-05-18. Review status: criteria provided, single submitter. Criteria: GeneDx Variant Classification (06012015). Collection method: clinical testing. Allele origin: germline. Affected: yes.
Comment: The c.833delC pathogenic variant in the SRCAP gene has not been reported previously as a pathogenic variant nor as a benign variant, to our knowledge. The c.833delC variant causes a frameshift starting with codon Proline 278, changes this amino acid to a Leucine residue, and creates a premature Stop codon at position 102 of the new reading frame, denoted p.Pro278LeufsX102. This variant is predicted to cause loss of normal protein function either through protein truncation or nonsense-mediated mRNA decay. The c.833delC variant was not observed in approximately 6500 individuals of European and African American ancestry in the NHLBI Exome Sequencing Project, indicating it is not a common benign variant in these populations. We interpret c.833delC as a pathogenic variant.

Joint Genome Diagnostic Labs from Nijmegen and Maastricht, Radboudumc and MUMC+
Classification: Likely pathogenic for Neurodevelopmental disorder. Last evaluated: 2021-01-10. Review status: no assertion criteria provided. Collection method: research. Allele origin: de novo. Affected: yes. Not counted in ClinVar's aggregate classification.

Literature cited by the submitters: PubMed 33909990 (cited by Joint Genome Diagnostic Labs from Nijmegen and Maastricht, Radboudumc and MUMC+).

NM_006662.3(SRCAP):c.833del (p.Pro278fs)

Gene: SRCAP (Snf2 related CREBBP activator protein; plus strand). Cytogenetic location: 16p11.2.
Variant type: Deletion.
Coding change: c.833del on transcript NM_006662.3 (MANE Select); coding-DNA position 833, one base deleted (C; older notation c.833delC).
Protein change: p.Pro278fs; shifts the reading frame from proline 278.
Molecular consequence: frameshift variant.
Genome position (GRCh38, 1-based): chr16:30,709,712, C deleted; the last of 5 consecutive C bases (chr16:30,709,708-30,709,712); deleting any one gives the same sequence. VCF-style (leftmost placement, unchanged base first): chr16-30709707-AC-A. GRCh37 (hg19) VCF-style: chr16-30721028-AC-A.
Other names: short protein forms P278fs.
Identifiers: ClinVar variation 280616 (VCV000280616.5), dbSNP rs886041787, ClinGen allele CA10603387.